The following is an entry in ClinVar:

ClinVar aggregate classification (germline): Uncertain significance. Review status: criteria provided, multiple submitters, no conflicts (2 of 4 stars). 4 submissions from 4 submitters: Uncertain significance (4). Last evaluated 2025-05-12.

Conditions:
Cardiovascular phenotype. Identifiers: MedGen CN230736.
Arrhythmogenic cardiomyopathy with wooly hair and keratoderma. Also called: Dilated cardiomyopathy with woolly hair and keratoderma; PALMOPLANTAR KERATODERMA WITH LEFT VENTRICULAR CARDIOMYOPATHY AND WOOLLY HAIR; Carvajal syndrome; Arrhythmogenic cardiomyopathy with woolly hair and keratoderma. Identifiers: Orphanet 65282, MedGen C1854063, MONDO:0011581, OMIM 605676.
Arrhythmogenic right ventricular dysplasia 8 (ARVD8). Also called: ARRHYTHMOGENIC RIGHT VENTRICULAR DYSPLASIA, FAMILIAL, 8; ARRHYTHMOGENIC RIGHT VENTRICULAR CARDIOMYOPATHY 8; Arrhythmogenic Right Ventricular Dysplasia/Cardiomyopathy 8. Identifiers: MedGen C1843896, MONDO:0011831, OMIM 607450.
Cardiomyopathy (CMYO). Also called: Cardiomyopathies. Identifiers: Orphanet 167848, MedGen C0878544, MONDO:0004994, HP:0001638. Inheritance: Various modes of inheritance.

Allele frequency attached by ClinVar (database versions not stated): gnomAD 0.00001; TOPMed 0.00001.

Submissions (4):

Color Diagnostics, LLC DBA Color Health
Classification: Uncertain significance for Cardiomyopathy. Last evaluated: 2025-05-12. Review status: criteria provided, single submitter. Criteria: ACMG Guidelines, 2015. Collection method: clinical testing. Allele origin: germline.
Comment: This missense variant replaces isoleucine with methionine at codon 2751 of the DSP protein. Computational prediction suggests that this variant may not impact protein structure and function. To our knowledge, functional studies have not been reported for this variant. This variant has not been reported in individuals affected with DSP-related disorders in the literature. This variant has not been identified in the general population by the Genome Aggregation Database (gnomAD). The available evidence is insufficient to determine the role of this variant in disease conclusively. Therefore, this variant is classified as a Variant of Uncertain Significance.

Ambry Genetics
Classification: Uncertain significance for Cardiovascular phenotype. Last evaluated: 2024-03-31. Review status: criteria provided, single submitter. Criteria: Ambry Variant Classification Scheme 2023. Collection method: clinical testing. Allele origin: germline.

Labcorp Genetics (formerly Invitae), Labcorp
Classification: Uncertain significance for Arrhythmogenic cardiomyopathy with wooly hair and keratoderma; Arrhythmogenic right ventricular dysplasia 8. Last evaluated: 2023-07-27. Review status: criteria provided, single submitter. Criteria: Invitae Variant Classification Sherloc (09022015). Collection method: clinical testing. Allele origin: germline.
Comment: An algorithm developed to predict the effect of missense changes on protein structure and function (PolyPhen-2) suggests that this variant is likely to be disruptive. This sequence change replaces isoleucine, which is neutral and non-polar, with methionine, which is neutral and non-polar, at codon 2751 of the DSP protein (p.Ile2751Met). This variant is not present in population databases (gnomAD no frequency). This variant has not been reported in the literature in individuals affected with DSP-related conditions. ClinVar contains an entry for this variant (Variation ID: 993521). In summary, the available evidence is currently insufficient to determine the role of this variant in disease. Therefore, it has been classified as a Variant of Uncertain Significance.

ARUP Laboratories, Molecular Genetics and Genomics, ARUP Laboratories
Classification: Uncertain significance. Last evaluated: 2020-05-29. Review status: criteria provided, single submitter. Criteria: ARUP Molecular Germline Variant Investigation Process. Collection method: clinical testing. Allele origin: germline.
Comment: The DSP c.8253C>G; p.Ile2751Met variant (rs1165200201), to our knowledge, is not reported in the medical literature or gene specific databases. This variant is also absent from general population databases (Exome Variant Server, Genome Aggregation Database), indicating it is not a common polymorphism. The isoleucine at codon 2751 is moderately conserved, and computational analyses (SIFT: tolerated, PolyPhen-2: probably damaging) predict conflicting effects of this variant on protein structure/function. Due to limited information, the clinical significance of the p.Ile2751Met variant is uncertain at this time.

NM_004415.4(DSP):c.8253C>G (p.Ile2751Met)

Gene: DSP (desmoplakin; plus strand). Cytogenetic location: 6p24.3.
Variant type: single nucleotide variant.
Coding change: c.8253C>G on transcript NM_004415.4 (MANE Select); coding-DNA position 8253, C replaced by G.
Protein change: p.Ile2751Met; replaces isoleucine 2751 with methionine.
Molecular consequence: missense variant.
Genome position (GRCh38, 1-based): chr6:7,585,515, C>G. VCF-style: chr6-7585515-C-G. GRCh37 (hg19) VCF-style: chr6-7585748-C-G.
Other names: c.8253C>G (NM_004415.2); c.6456C>G, p.Ile2152Met (NM_001008844.3); c.6924C>G, p.Ile2308Met (NM_001319034.2); short protein forms I2152M, I2308M, I2751M.
Identifiers: ClinVar variation 993521 (VCV000993521.16), dbSNP rs1165200201, ClinGen allele CA362694768.